The following is an entry in ClinVar:

ClinVar aggregate classification (germline): Conflicting classifications of pathogenicity. Review status: criteria provided, conflicting classifications (1 of 4 stars). 4 submissions from 4 submitters: Uncertain significance (1); Likely benign (2). 1 of the submissions does not count toward it. Last evaluated 2026-01-20.

Conditions:
LCT-related disorder. Also called: LCT-related condition.
Inborn genetic diseases. Identifiers: MedGen C0950123, MeSH D030342.

Allele frequency attached by ClinVar (database versions not stated): ESP Exome Variant Server 0.00085; TOPMed 0.00092; 1000 Genomes Project 30x 0.00156; 1000 Genomes Project 0.00160; gnomAD 0.00178.
gnomAD v4.1: 1,549 of 1,611,526 alleles (0.096%); highest among the groups gnomAD compares: Admixed American, 0.17%; 2 homozygotes.

Submissions (4):

Labcorp Genetics (formerly Invitae), Labcorp
Classification: Likely benign. Last evaluated: 2026-01-20. Review status: criteria provided, single submitter. Criteria: Invitae Variant Classification Sherloc (09022015). Collection method: clinical testing. Allele origin: germline.

Blueprint Genetics
Classification: Likely benign. Last evaluated: 2024-10-23. Review status: criteria provided, single submitter. Criteria: ACMG Guidelines, 2015. Collection method: clinical testing. Allele origin: germline.

Ambry Genetics
Classification: Uncertain significance for Inborn genetic diseases. Last evaluated: 2022-12-14. Review status: criteria provided, single submitter. Criteria: Ambry Variant Classification Scheme 2023. Collection method: clinical testing. Allele origin: germline.

PreventionGenetics, part of Exact Sciences
Classification: Likely benign for LCT-related condition. Last evaluated: 2019-09-30. Review status: no assertion criteria provided. Collection method: clinical testing. Allele origin: germline. Not counted in ClinVar's aggregate classification.
Comment: This variant is classified as likely benign based on ACMG/AMP sequence variant interpretation guidelines (Richards et al. 2015 PMID: 25741868, with internal and published modifications).

NM_002299.4(LCT):c.3341A>G (p.Gln1114Arg)

Gene: LCT (lactase; minus strand). Cytogenetic location: 2q21.3.
Variant type: single nucleotide variant.
Coding change: c.3341A>G on transcript NM_002299.4 (MANE Select); coding-DNA position 3341, A replaced by G.
Protein change: p.Gln1114Arg; replaces glutamine 1114 with arginine.
Molecular consequence: missense variant.
Genome position (GRCh38, 1-based): chr2:135,809,006, T>C on the plus strand (A>G on the coding strand, the complement: LCT is on the minus strand). VCF-style: chr2-135809006-T-C. GRCh37 (hg19) VCF-style: chr2-136566576-T-C.
Other names: c.3341A>G (LRG_338t1, NM_002299.3); short protein forms Q1114R.
Identifiers: ClinVar variation 331188 (VCV000331188.17), dbSNP rs148838160, ClinGen allele CA1888078.
Genomic context (GRCh38, chr2:135,809,006, plus strand): 5'-GGTGACTTGGGCTCTGCCCAGTGTGTACTGAGGCTCAGCGAGATGACCCCCTTCTGCTCC[T>C]GCCTGTATTTCTCATCGTACGTGTGATAGACTCTGGCATGGGCTTTGATGACGGCGTGGG-3'
Protein context (NP_002290.2, residues 1104-1124): VYHTYDEKYR[Gln1114Arg]EQKGVISLSL